The following is an entry in ClinVar:

ClinVar aggregate classification (germline): Uncertain significance. Review status: criteria provided, multiple submitters, no conflicts (2 of 4 stars). 2 submissions from 2 submitters: Uncertain significance (2). Last evaluated 2025-08-31.

Conditions:
Inborn genetic diseases. Identifiers: MedGen C0950123, MeSH D030342.

Allele frequency attached by ClinVar (database versions not stated): gnomAD 0.00011 and 0.00009; TOPMed 0.00011; 1000 Genomes Project 30x 0.00062; 1000 Genomes Project 0.00080.
gnomAD v4.1: 45 of 1,614,150 alleles (0.0028%); highest among the groups gnomAD compares: African/African-American, 0.044%; no homozygotes.

Submissions (2):

Ambry Genetics
Classification: Uncertain significance for Inborn genetic diseases. Last evaluated: 2025-08-31. Review status: criteria provided, single submitter. Criteria: Ambry Variant Classification Scheme 2023. Collection method: clinical testing. Allele origin: germline.

Labcorp Genetics (formerly Invitae), Labcorp
Classification: Uncertain significance. Last evaluated: 2024-11-18. Review status: criteria provided, single submitter. Criteria: Invitae Variant Classification Sherloc (09022015). Collection method: clinical testing. Allele origin: germline.
Comment: This sequence change replaces leucine, which is neutral and non-polar, with phenylalanine, which is neutral and non-polar, at codon 59 of the STX3 protein (p.Leu59Phe). This variant is present in population databases (rs201820174, gnomAD 0.04%). This variant has not been reported in the literature in individuals affected with STX3-related conditions. ClinVar contains an entry for this variant (Variation ID: 1381509). An algorithm developed to predict the effect of missense changes on protein structure and function (PolyPhen-2) suggests that this variant is likely to be disruptive. In summary, the available evidence is currently insufficient to determine the role of this variant in disease. Therefore, it has been classified as a Variant of Uncertain Significance.

NM_004177.5(STX3):c.175C>T (p.Leu59Phe)

Gene: STX3 (syntaxin 3; plus strand). Cytogenetic location: 11q12.1.
Variant type: single nucleotide variant.
Coding change: c.175C>T on transcript NM_004177.5 (MANE Select); coding-DNA position 175, C replaced by T.
Protein change: p.Leu59Phe; replaces leucine 59 with phenylalanine.
Molecular consequence: missense variant.
Genome position (GRCh38, 1-based): chr11:59,787,097, C>T. VCF-style: chr11-59787097-C-T. GRCh37 (hg19) VCF-style: chr11-59554570-C-T.
Other names: c.175C>T, p.Leu59Phe (NM_001178040.3); c.175C>T (NM_004177.4); short protein forms L59F.
Identifiers: ClinVar variation 1381509 (VCV001381509.7), dbSNP rs201820174, ClinGen allele CA6020759.